The following is an entry in ClinVar:

NM_000548.5(TSC2):c.5391CTC[1] (p.Ser1799del)

Gene: TSC2 (TSC complex subunit 2; plus strand). Cytogenetic location: 16p13.3.
Variant type: Microsatellite.
Coding change: c.5391CTC[1] on transcript NM_000548.5 (MANE Select); one copy of the 3-base unit CTC starting at c.5391; the reference has two copies in a row; one copy, 3 bases deleted; also written c.5394_5396del.
Protein change: p.Ser1799del; deletes serine 1799.
Molecular consequence: inframe deletion.
Genome position (GRCh38, 1-based): chr16:2,088,580-2,088,582, CTC deleted; deleting any 3 consecutive bases within chr16:2,088,577-2,088,582 gives the same sequence; the position shown is the placement nearest the transcript's 3' end. VCF-style (leftmost placement, unchanged base first): chr16-2088576-TCTC-T. GRCh37 (hg19) VCF-style: chr16-2138577-TCTC-T.
Other names: c.5394_5396del (NM_000548.3, NM_000548.5); c.5190CTC[1], p.Ser1732del (NM_001077183.3); c.5322CTC[1], p.Ser1776del (NM_001114382.3); c.5082CTC[1], p.Ser1696del (NM_001318827.2); c.5046CTC[1], p.Ser1684del (NM_001318829.2); c.4659CTC[1], p.Ser1555del (NM_001318831.2); c.5223CTC[1], p.Ser1743del (NM_001318832.2); c.5193CTC[1], p.Ser1733del (NM_001363528.2); and 3 more; short protein forms S1799del, S1555del, S1684del, S1743del, S1776del, S1696del, S1733del, S1756del.
Identifiers: ClinVar variation 207697 (VCV000207697.26), dbSNP rs796053480, ClinGen allele CA055284.

ClinVar aggregate classification (germline): Conflicting classifications of pathogenicity. Review status: criteria provided, conflicting classifications (1 of 4 stars). 5 submissions from 5 submitters: Uncertain significance (4); Likely benign (1). Last evaluated 2025-11-09.

Conditions:
Tuberous sclerosis 2 (TSC2). Identifiers: Orphanet 805, MedGen C1860707, MONDO:0013199, OMIM 613254.
Hereditary cancer-predisposing syndrome. Also called: Neoplastic Syndromes, Hereditary; Hereditary Cancer Syndrome; Tumor predisposition; Hereditary neoplastic syndrome. Identifiers: Orphanet 140162, MedGen C0027672, MeSH D009386, MONDO:0015356.
Tuberous sclerosis syndrome (TSC). Also called: Tuberous Sclerosis Complex; Tuberous sclerosis. Identifiers: Orphanet 805, MedGen C0041341, MONDO:0001734.

Submissions (5):

Labcorp Genetics (formerly Invitae), Labcorp
Classification: Likely benign for Tuberous sclerosis 2. Last evaluated: 2025-11-09. Review status: criteria provided, single submitter. Criteria: Invitae Variant Classification Sherloc (09022015). Collection method: clinical testing. Allele origin: germline.

Ambry Genetics
Classification: Uncertain significance for Hereditary cancer-predisposing syndrome. Last evaluated: 2025-03-23. Review status: criteria provided, single submitter. Criteria: Ambry Variant Classification Scheme 2023. Collection method: clinical testing. Allele origin: germline.
Comment: The c.5394_5396delCTC variant (also known as p.S1799del) is located in coding exon 41 of the TSC2 gene. This variant results from an in-frame CTC deletion at nucleotide positions 5394 to 5396. This results in the in-frame deletion of a serine at codon 1799. This alteration has been reported as a germline variant of unknown significance in an individual with lymphangioleiomyomatosis (LAM) (Liu J et al. PLoS One, 2019 Dec;14:e0226400). This amino acid position is well conserved in available vertebrate species. In addition, the in silico prediction for this alteration is inconclusive (Choi Y et al. PLoS ONE. 2012; 7(10):e46688). Since supporting evidence is limited at this time, the clinical significance of this alteration remains unclear.

Color Diagnostics, LLC DBA Color Health
Classification: Uncertain significance for Tuberous sclerosis syndrome. Last evaluated: 2024-07-24. Review status: criteria provided, single submitter. Criteria: ACMG Guidelines, 2015. Collection method: clinical testing. Allele origin: germline.
Comment: This variant causes an in-frame deletion of one amino acid at codon 1799 of the TSC2 protein. To our knowledge, functional studies have not been reported for this variant. This variant has been reported in an individual affected with lymphangioleiomyomatosis (PMID: 31856217). This variant has been identified in 4/277166 chromosomes in the general population by the Genome Aggregation Database (gnomAD). The available evidence is insufficient to determine the role of this variant in disease conclusively. Therefore, this variant is classified as a Variant of Uncertain Significance.

GeneDx
Classification: Uncertain significance. Last evaluated: 2022-08-17. Review status: criteria provided, single submitter. Criteria: GeneDx Variant Classification Process June 2021. Collection method: clinical testing. Allele origin: germline. Affected: yes.
Comment: In-frame deletion of 1 amino acid in a non-repeat region; In silico analysis supports a deleterious effect on protein structure/function; Published functional studies demonstrate reduced levels of TSC1 and TSC2 protein and elevated levels of phosphorylated AKT (Mrozek et al., 2021); This variant is associated with the following publications: (PMID: 31856217, 33891611)

St. Jude Molecular Pathology, St. Jude Children's Research Hospital
Classification: Uncertain significance for Tuberous sclerosis syndrome. Last evaluated: 2021-09-09. Review status: criteria provided, single submitter. Criteria: St. Jude Assertion Criteria 2020. Collection method: clinical testing. Allele origin: germline.
Comment: The TSC2 c.5394_5396del (p.Ser1799del) change has a maximum subpopulation frequency of 0.0041% in gnomAD v2.1.1. The change results in the deletion of a single serine residue in a region without a known function at the c-terminal end of the gene (BP3). To our knowledge, functional studies have not been performed. In summary, this variant meets criteria to be classified as of uncertain significance based on the ACMG/AMP criteria: BP3.

Literature cited by the submitters: PubMed 31856217 (cited by Ambry Genetics and Color Diagnostics, LLC DBA Color Health).